The following is an entry in ClinVar:

NM_004446.3(EPRS1):c.1084C>G (p.Gln362Glu)

Gene: EPRS1 (glutamyl-prolyl-tRNA synthetase 1; minus strand). Cytogenetic location: 1q41.
Variant type: single nucleotide variant.
Coding change: c.1084C>G on transcript NM_004446.3 (MANE Select); coding-DNA position 1084, C replaced by G.
Protein change: p.Gln362Glu; replaces glutamine 362 with glutamic acid.
Molecular consequence: missense variant.
Genome position (GRCh38, 1-based): chr1:220,022,378, G>C on the plus strand (C>G on the coding strand, the complement: EPRS1 is on the minus strand). VCF-style: chr1-220022378-G-C. GRCh37 (hg19) VCF-style: chr1-220195720-G-C.
Other names: short protein forms Q362E.
Identifiers: ClinVar variation 1680993 (VCV001680993.6), dbSNP rs748164943, ClinGen allele CA1400390.
Genomic context (GRCh38, chr1:220,022,378, plus strand): 5'-ACCTAGCATATTGAAGGAGATATACTTACTTGTATTTATTTCCAGTTCTTGGATGTGGTT[G>C]AATTTTGCAGCGATAAAGGGTTGGATCTCTCATGCATCCATTGTTACTACTCATGTCAAT-3'
Protein context (NP_004437.2, residues 352-372): RDPTLYRCKI[Gln362Glu]PHPRTGNKYN

ClinVar aggregate classification (germline): Uncertain significance (1 of 4 stars; one submission).

Allele frequency attached by ClinVar (database versions not stated): ExAC 0.00001.
gnomAD v4.1: 2 of 1,613,392 alleles (0.00012%); no homozygotes.

Submission:

Labcorp Genetics (formerly Invitae), Labcorp
Classification: Uncertain significance. Last evaluated: 2021-12-02. Review status: criteria provided, single submitter. Criteria: Invitae Variant Classification Sherloc (09022015). Collection method: clinical testing. Allele origin: germline.
Comment: Algorithms developed to predict the effect of missense changes on protein structure and function (SIFT, PolyPhen-2, Align-GVGD) all suggest that this variant is likely to be tolerated. This variant has not been reported in the literature in individuals affected with EPRS-related conditions. This variant is present in population databases (rs748164943, gnomAD 0.006%). This sequence change replaces glutamine, which is neutral and polar, with glutamic acid, which is acidic and polar, at codon 362 of the EPRS protein (p.Gln362Glu). In summary, the available evidence is currently insufficient to determine the role of this variant in disease. Therefore, it has been classified as a Variant of Uncertain Significance.